The following is an entry in ClinVar:

ClinVar aggregate classification (germline): Uncertain significance. Review status: criteria provided, single submitter (1 of 4 stars). 2 submissions from 2 submitters: Uncertain significance (1). 1 of the submissions does not count toward it. Last evaluated 2021-08-31.

Conditions:
Usher syndrome type 1B (USH1B). Also called: Usher syndrome type IB. Identifiers: MedGen C1848638, MONDO:0700087.

Allele frequency attached by ClinVar (database versions not stated): gnomAD exomes 0.00001.
gnomAD v4.1: 18 of 1,595,978 alleles (0.0011%); highest among the groups gnomAD compares: Non-Finnish European, 0.0015%; no homozygotes.

Submissions (2):

Labcorp Genetics (formerly Invitae), Labcorp
Classification: Uncertain significance. Last evaluated: 2021-08-31. Review status: criteria provided, single submitter. Criteria: Invitae Variant Classification Sherloc (09022015). Collection method: clinical testing. Allele origin: germline.
Comment: This sequence change replaces isoleucine with threonine at codon 2131 of the MYO7A protein (p.Ile2131Thr). The isoleucine residue is highly conserved and there is a moderate physicochemical difference between isoleucine and threonine. This variant is not present in population databases (ExAC no frequency). This variant has not been reported in the literature in individuals affected with MYO7A-related conditions. Algorithms developed to predict the effect of missense changes on protein structure and function are either unavailable or do not agree on the potential impact of this missense change (SIFT: "Deleterious"; PolyPhen-2: "Probably Damaging"; Align-GVGD: "Class C0"). In summary, the available evidence is currently insufficient to determine the role of this variant in disease. Therefore, it has been classified as a Variant of Uncertain Significance.

Natera, Inc.
Classification: Uncertain significance for Usher syndrome type 1B. Last evaluated: 2020-10-26. Review status: no assertion criteria provided. Collection method: clinical testing. Allele origin: germline. Not counted in ClinVar's aggregate classification.

NM_000260.4(MYO7A):c.6392T>C (p.Ile2131Thr)

Gene: MYO7A (myosin VIIA; plus strand). Cytogenetic location: 11q13.5.
Variant type: single nucleotide variant.
Coding change: c.6392T>C on transcript NM_000260.4 (MANE Select); coding-DNA position 6392, T replaced by C.
Protein change: p.Ile2131Thr; replaces isoleucine 2131 with threonine.
Molecular consequence: missense variant.
Genome position (GRCh38, 1-based): chr11:77,212,989, T>C. VCF-style: chr11-77212989-T-C. GRCh37 (hg19) VCF-style: chr11-76924034-T-C.
Other names: c.6272T>C, p.Ile2091Thr (NM_001127180.2); c.6245T>C, p.Ile2082Thr (NM_001369365.1); short protein forms I2131T, I2082T, I2091T.
Identifiers: ClinVar variation 965122 (VCV000965122.8), dbSNP rs1214326316, ClinGen allele CA381937540.